The following is an entry in ClinVar:

NM_000041.4(APOE):c.281C>G (p.Ser94Trp)

Gene: APOE (apolipoprotein E; plus strand). Cytogenetic location: 19q13.32.
Variant type: single nucleotide variant.
Coding change: c.281C>G on transcript NM_000041.4 (MANE Select); coding-DNA position 281, C replaced by G.
Protein change: p.Ser94Trp; replaces serine 94 with tryptophan.
Molecular consequence: missense variant.
Genome position (GRCh38, 1-based): chr19:44,908,577, C>G. VCF-style: chr19-44908577-C-G. GRCh37 (hg19) VCF-style: chr19-45411834-C-G.
Other names: c.359C>G, p.Ser120Trp (NM_001302688.2); c.281C>G, p.Ser94Trp (NM_001302689.2, NM_001302690.2, NM_001302691.2); short protein forms S120W, S94W.
Identifiers: ClinVar variation 1796422 (VCV001796422.2), dbSNP rs776830091, ClinGen allele CA406303716.

ClinVar aggregate classification (germline): Uncertain significance (1 of 4 stars; one submission).

Conditions:
Cardiovascular phenotype. Identifiers: MedGen CN230736.

Submission:

Ambry Genetics
Classification: Uncertain significance for Cardiovascular phenotype. Last evaluated: 2022-02-20. Review status: criteria provided, single submitter. Criteria: Ambry Variant Classification Scheme 2023. Collection method: clinical testing. Allele origin: germline.
Comment: The p.S94W variant (also known as c.281C>G), located in coding exon 3 of the APOE gene, results from a C to G substitution at nucleotide position 281. The serine at codon 94 is replaced by tryptophan, an amino acid with highly dissimilar properties. This amino acid position is conserved. In addition, this alteration is predicted to be tolerated by in silico analysis. Since supporting evidence is limited at this time, the clinical significance of this alteration remains unclear.